The following is an entry in ClinVar:

ClinVar aggregate classification (germline): Likely benign (1 of 4 stars; one submission).

Submission:

Mayo Clinic Laboratories, Mayo Clinic
Classification: Likely benign. Last evaluated: 2025-08-28. Review status: criteria provided, single submitter. Criteria: ACMG Guidelines, 2015. Collection method: clinical testing. Allele origin: germline. Observed: 1 variant allele.
Comment: BP4, BP7

NM_138272.3(MPIG6B):c.462C>G (p.Leu154=)

Gene: MPIG6B (megakaryocyte and platelet inhibitory receptor G6b; plus strand). Cytogenetic location: 6p21.33.
Variant type: single nucleotide variant.
Coding change: c.462C>G on transcript NM_138272.3 (MANE Select); coding-DNA position 462, C replaced by G.
Protein change: p.Leu154=; no amino-acid change (leucine 154 retained).
Molecular consequence: synonymous variant. On other transcripts: intron variant (3).
Genome position (GRCh38, 1-based): chr6:31,724,194, C>G. VCF-style: chr6-31724194-C-G. GRCh37 (hg19) VCF-style: chr6-31691971-C-G.
Other names: p.Leu154=; c.462C>G, p.Leu154= (NM_025260.4, NM_138277.3); c.409+208C>G (NM_138273.3, NM_138274.3, NM_138275.3).
Identifiers: ClinVar variation 4684918 (VCV004684918.1).